The following is an entry in ClinVar:

ClinVar aggregate classification (germline): Uncertain significance (1 of 4 stars; one submission).

Conditions:
Lysinuric protein intolerance (LPI). Identifiers: Orphanet 470, MedGen C0268647, MONDO:0009109, OMIM 222700.

Allele frequency attached by ClinVar (database versions not stated): gnomAD 0.00001; TOPMed 0.00001.
gnomAD v4.1: 4 of 1,613,746 alleles (0.00025%); highest among the groups gnomAD compares: Non-Finnish European, 0.00034%; no homozygotes.

Submission:

Labcorp Genetics (formerly Invitae), Labcorp
Classification: Uncertain significance for Lysinuric protein intolerance. Last evaluated: 2021-08-31. Review status: criteria provided, single submitter. Criteria: Invitae Variant Classification Sherloc (09022015). Collection method: clinical testing. Allele origin: germline.
Comment: This sequence change replaces asparagine with tyrosine at codon 141 of the SLC7A7 protein (p.Asn141Tyr). The asparagine residue is moderately conserved and there is a large physicochemical difference between asparagine and tyrosine. This variant is not present in population databases (ExAC no frequency). This variant has not been reported in the literature in individuals affected with SLC7A7-related conditions. Algorithms developed to predict the effect of missense changes on protein structure and function are either unavailable or do not agree on the potential impact of this missense change (SIFT: "Deleterious"; PolyPhen-2: "Possibly Damaging"; Align-GVGD: "Class C0"). In summary, the available evidence is currently insufficient to determine the role of this variant in disease. Therefore, it has been classified as a Variant of Uncertain Significance.

NM_003982.4(SLC7A7):c.421A>T (p.Asn141Tyr)

Gene: SLC7A7 (solute carrier family 7 member 7; minus strand). Cytogenetic location: 14q11.2.
Variant type: single nucleotide variant.
Coding change: c.421A>T on transcript NM_003982.4 (MANE Select); coding-DNA position 421, A replaced by T.
Protein change: p.Asn141Tyr; replaces asparagine 141 with tyrosine.
Molecular consequence: missense variant.
Genome position (GRCh38, 1-based): chr14:22,812,978, T>A on the plus strand (A>T on the coding strand, the complement: SLC7A7 is on the minus strand). VCF-style: chr14-22812978-T-A. GRCh37 (hg19) VCF-style: chr14-23282187-T-A.
Other names: c.421A>T, p.Asn141Tyr (NM_001126105.3, NM_001126106.4); short protein forms N141Y.
Identifiers: ClinVar variation 1982191 (VCV001982191.1), dbSNP rs1433081801, ClinGen allele CA388922062.